The following is an entry in ClinVar:

ClinVar aggregate classification (germline): Uncertain significance (1 of 4 stars; one submission).

Submission:

GeneDx
Classification: Uncertain significance. Last evaluated: 2024-12-10. Review status: criteria provided, single submitter. Criteria: GeneDx Variant Classification Process June 2021. Collection method: clinical testing. Allele origin: germline. Affected: yes.
Comment: Not observed at significant frequency in large population cohorts (gnomAD); In silico analysis supports that this missense variant has a deleterious effect on protein structure/function; Has not been previously published as pathogenic or benign to our knowledge

NM_000810.4(GABRA5):c.775T>C (p.Tyr259His)

Gene: GABRA5 (gamma-aminobutyric acid type A receptor subunit alpha5; plus strand). Cytogenetic location: 15q12.
Variant type: single nucleotide variant.
Coding change: c.775T>C on transcript NM_000810.4 (MANE Select); coding-DNA position 775, T replaced by C.
Protein change: p.Tyr259His; replaces tyrosine 259 with histidine.
Molecular consequence: missense variant.
Genome position (GRCh38, 1-based): chr15:26,939,975, T>C. VCF-style: chr15-26939975-T-C. GRCh37 (hg19) VCF-style: chr15-27185122-T-C.
Other names: c.775T>C, p.Tyr259His (NM_001165037.2); short protein forms Y259H.
Identifiers: ClinVar variation 3902889 (VCV003902889.1).